The following is an entry in ClinVar:

ClinVar aggregate classification (germline): Uncertain significance (1 of 4 stars; one submission).

Submission:

GeneDx
Classification: Uncertain significance. Last evaluated: 2022-07-28. Review status: criteria provided, single submitter. Criteria: GeneDx Variant Classification Process June 2021. Collection method: clinical testing. Allele origin: germline. Affected: yes.
Comment: Not observed at significant frequency in large population cohorts (gnomAD); In silico analysis supports that this missense variant does not alter protein structure/function; Has not been previously published as pathogenic or benign to our knowledge

NM_001923.5(DDB1):c.2647A>G (p.Ser883Gly)

Gene: DDB1 (damage specific DNA binding protein 1; minus strand). Cytogenetic location: 11q12.2.
Variant type: single nucleotide variant.
Coding change: c.2647A>G on transcript NM_001923.5 (MANE Select); coding-DNA position 2647, A replaced by G.
Protein change: p.Ser883Gly; replaces serine 883 with glycine.
Molecular consequence: missense variant.
Genome position (GRCh38, 1-based): chr11:61,308,997, T>C on the plus strand (A>G on the coding strand, the complement: DDB1 is on the minus strand). VCF-style: chr11-61308997-T-C. GRCh37 (hg19) VCF-style: chr11-61076469-T-C.
Other names: short protein forms S883G.
Identifiers: ClinVar variation 2412956 (VCV002412956.3), dbSNP rs2539664765, ClinGen allele CA380660358.